The following is an entry in ClinVar:

NM_001077350.3(NPRL3):c.1534A>T (p.Met512Leu)

Genes: HBA-LCR (alpha-globin locus control region; plus strand), NPRL3 (NPR3 like, GATOR1 complex subunit; minus strand). Cytogenetic location: 16p13.3.
Variant type: single nucleotide variant.
Coding change: c.1534A>T on transcript NM_001077350.3 (MANE Select); coding-DNA position 1534, A replaced by T.
Protein change: p.Met512Leu; replaces methionine 512 with leucine.
Molecular consequence: missense variant.
Genome position (GRCh38, 1-based): chr16:88,708, T>A on the plus strand (A>T on the coding strand, the complement: NPRL3 is on the minus strand). VCF-style: chr16-88708-T-A. GRCh37 (hg19) VCF-style: chr16-138707-T-A.
Other names: c.997A>T, p.Met333Leu (NM_001039476.3); c.1300A>T, p.Met434Leu (NM_001243247.2); c.1459A>T, p.Met487Leu (NM_001243248.2, NM_001243249.2); short protein forms M333L, M487L, M434L, M512L.
Identifiers: ClinVar variation 3631027 (VCV003631027.2).

ClinVar aggregate classification (germline): Uncertain significance (1 of 4 stars; one submission).

Conditions:
Epilepsy, familial focal, with variable foci 3 (FFEVF3). Identifiers: MedGen C4310708, MONDO:0014925, OMIM 617118.

Submission:

Labcorp Genetics (formerly Invitae), Labcorp
Classification: Uncertain significance for Epilepsy, familial focal, with variable foci 3. Last evaluated: 2024-04-03. Review status: criteria provided, single submitter. Criteria: Invitae Variant Classification Sherloc (09022015). Collection method: clinical testing. Allele origin: germline.
Comment: This sequence change replaces methionine, which is neutral and non-polar, with leucine, which is neutral and non-polar, at codon 512 of the NPRL3 protein (p.Met512Leu). This variant is not present in population databases (gnomAD no frequency). This variant has not been reported in the literature in individuals affected with NPRL3-related conditions. Advanced modeling of protein sequence and biophysical properties (such as structural, functional, and spatial information, amino acid conservation, physicochemical variation, residue mobility, and thermodynamic stability) performed at Invitae indicates that this missense variant is not expected to disrupt NPRL3 protein function with a negative predictive value of 80%. In summary, the available evidence is currently insufficient to determine the role of this variant in disease. Therefore, it has been classified as a Variant of Uncertain Significance.